The following is an entry in ClinVar:

ClinVar aggregate classification (germline): Uncertain significance. Review status: criteria provided, multiple submitters, no conflicts (2 of 4 stars). 2 submissions from 2 submitters: Uncertain significance (2). Last evaluated 2025-10-12.

Conditions:
Inborn genetic diseases. Identifiers: MedGen C0950123, MeSH D030342.
Lymphoproliferative syndrome 2 (LPFS2). Also called: CD27 DEFICIENCY; Combined immunodeficiency due to CD27 deficiency. Identifiers: Orphanet 238505, MedGen C3554540, MONDO:0014054, OMIM 615122.

Allele frequency attached by ClinVar (database versions not stated): gnomAD 0.00003 and 0.00004; TOPMed 0.00004; gnomAD exomes 0.00005 and 0.00023; ExAC 0.00006; ESP Exome Variant Server 0.00008.
gnomAD v4.1: 334 of 1,613,126 alleles (0.021%); highest among the groups gnomAD compares: Non-Finnish European, 0.027%; no homozygotes.

Submissions (2):

Labcorp Genetics (formerly Invitae), Labcorp
Classification: Uncertain significance for Lymphoproliferative syndrome 2. Last evaluated: 2025-10-12. Review status: criteria provided, single submitter. Criteria: Invitae Variant Classification Sherloc (09022015). Collection method: clinical testing. Allele origin: germline.
Comment: This sequence change replaces proline, which is neutral and non-polar, with leucine, which is neutral and non-polar, at codon 138 of the CD27 protein (p.Pro138Leu). This variant is present in population databases (rs373368586, gnomAD 0.01%). This variant has not been reported in the literature in individuals affected with CD27-related conditions. ClinVar contains an entry for this variant (Variation ID: 860936). Invitae Evidence Modeling of protein sequence and biophysical properties (such as structural, functional, and spatial information, amino acid conservation, physicochemical variation, residue mobility, and thermodynamic stability) indicates that this missense variant is not expected to disrupt CD27 protein function with a negative predictive value of 80%. In summary, the available evidence is currently insufficient to determine the role of this variant in disease. Therefore, it has been classified as a Variant of Uncertain Significance.

Ambry Genetics
Classification: Uncertain significance for Inborn genetic diseases. Last evaluated: 2024-12-06. Review status: criteria provided, single submitter. Criteria: Ambry Variant Classification Scheme 2023. Collection method: clinical testing. Allele origin: germline.

NM_001242.5(CD27):c.413C>T (p.Pro138Leu)

Genes: CD27 (CD27 molecule; plus strand), CD27-AS1 (CD27 antisense RNA 1; minus strand). Cytogenetic location: 12p13.31.
Variant type: single nucleotide variant.
Coding change: c.413C>T on transcript NM_001242.5 (MANE Select); coding-DNA position 413, C replaced by T.
Protein change: p.Pro138Leu; replaces proline 138 with leucine.
Molecular consequence: missense variant.
Genome position (GRCh38, 1-based): chr12:6,450,317, C>T. VCF-style: chr12-6450317-C-T. GRCh37 (hg19) VCF-style: chr12-6559483-C-T.
Other names: short protein forms P138L.
Identifiers: ClinVar variation 860936 (VCV000860936.7), dbSNP rs373368586, ClinGen allele CA6406965.